The following is an entry in ClinVar:

NM_022124.6(CDH23):c.26G>T (p.Cys9Phe)

Gene: CDH23 (cadherin related 23; plus strand). Cytogenetic location: 10q22.1.
Variant type: single nucleotide variant.
Coding change: c.26G>T on transcript NM_022124.6 (MANE Select); coding-DNA position 26, G replaced by T.
Protein change: p.Cys9Phe; replaces cysteine 9 with phenylalanine.
Molecular consequence: missense variant.
Genome position (GRCh38, 1-based): chr10:71,439,857, G>T. VCF-style: chr10-71439857-G-T. GRCh37 (hg19) VCF-style: chr10-73199614-G-T.
Other names: c.26G>T, p.Cys9Phe (NM_001171930.2, NM_001171931.2, NM_001171932.2 and 1 more transcripts); c.26G>T (NM_022124.5); short protein forms C9F.
Identifiers: ClinVar variation 1907491 (VCV001907491.3), dbSNP rs2132005093, ClinGen allele CA377112550.

ClinVar aggregate classification (germline): Uncertain significance. Review status: criteria provided, multiple submitters, no conflicts (2 of 4 stars). 2 submissions from 2 submitters: Uncertain significance (2). Last evaluated 2024-01-16.

Conditions:
Inborn genetic diseases. Identifiers: MedGen C0950123, MeSH D030342.

Allele frequency attached by ClinVar (database versions not stated): gnomAD exomes 0.00001.
gnomAD v4.1: 10 of 1,573,026 alleles (0.00064%); highest among the groups gnomAD compares: Non-Finnish European, 0.00086%; no homozygotes.

Submissions (2):

Ambry Genetics
Classification: Uncertain significance for Inborn genetic diseases. Last evaluated: 2024-01-16. Review status: criteria provided, single submitter. Criteria: Ambry Variant Classification Scheme 2023. Collection method: clinical testing. Allele origin: germline.

Labcorp Genetics (formerly Invitae), Labcorp
Classification: Uncertain significance. Last evaluated: 2022-07-06. Review status: criteria provided, single submitter. Criteria: Invitae Variant Classification Sherloc (09022015). Collection method: clinical testing. Allele origin: germline.
Comment: This sequence change replaces cysteine, which is neutral and slightly polar, with phenylalanine, which is neutral and non-polar, at codon 9 of the CDH23 protein (p.Cys9Phe). This variant is not present in population databases (gnomAD no frequency). This variant has not been reported in the literature in individuals affected with CDH23-related conditions. Algorithms developed to predict the effect of missense changes on protein structure and function are either unavailable or do not agree on the potential impact of this missense change (SIFT: "Tolerated"; PolyPhen-2: "Not Available"; Align-GVGD: "Class C0"). In summary, the available evidence is currently insufficient to determine the role of this variant in disease. Therefore, it has been classified as a Variant of Uncertain Significance.